The following is an entry in ClinVar:

NM_173630.4(RTTN):c.799C>G (p.Leu267Val)

Gene: RTTN (rotatin; minus strand). Cytogenetic location: 18q22.2.
Variant type: single nucleotide variant.
Coding change: c.799C>G on transcript NM_173630.4 (MANE Select); coding-DNA position 799, C replaced by G.
Protein change: p.Leu267Val; replaces leucine 267 with valine.
Molecular consequence: missense variant. On other transcripts: 5 prime UTR variant (1).
Genome position (GRCh38, 1-based): chr18:70,196,543, G>C on the plus strand (C>G on the coding strand, the complement: RTTN is on the minus strand). VCF-style: chr18-70196543-G-C. GRCh37 (hg19) VCF-style: chr18-67863779-G-C.
Other names: c.-1755C>G (NM_001318520.2); short protein forms L267V.
Identifiers: ClinVar variation 1333380 (VCV001333380.6), dbSNP rs529266509, ClinGen allele CA8996364.

ClinVar aggregate classification (germline): Uncertain significance. Review status: criteria provided, multiple submitters, no conflicts (2 of 4 stars). 3 submissions from 3 submitters: Uncertain significance (3). Last evaluated 2023-11-13.

Conditions:
Inborn genetic diseases. Identifiers: MedGen C0950123, MeSH D030342.
Microcephalic primordial dwarfism due to RTTN deficiency (MSSP). Also called: MICROCEPHALY, SHORT STATURE, AND POLYMICROGYRIA; Microcephaly, short stature, and polymicrogyria with or without seizures. Identifiers: Orphanet 468631, MedGen C3553831, MONDO:0018764, OMIM 614833.

Allele frequency attached by ClinVar (database versions not stated): gnomAD 0.00001; gnomAD exomes 0.00001 and 0.00002; ExAC 0.00002; 1000 Genomes Project 0.00020; 1000 Genomes Project 30x 0.00031.
gnomAD v4.1: 14 of 1,613,158 alleles (0.00087%); highest among the groups gnomAD compares: South Asian, 0.014%; no homozygotes.

Submissions (3):

Revvity Omics, Revvity
Classification: Uncertain significance for Microcephalic primordial dwarfism due to RTTN deficiency. Last evaluated: 2023-11-13. Review status: criteria provided, single submitter. Criteria: ACMG Guidelines, 2015. Collection method: clinical testing. Allele origin: germline.

3billion
Classification: Uncertain significance for Microcephalic primordial dwarfism due to RTTN deficiency. Last evaluated: 2022-01-03. Review status: criteria provided, single submitter. Criteria: ACMG Guidelines, 2015. Collection method: clinical testing. Allele origin: germline. Affected: yes. Observed: 1 heterozygote.
Comment: The variant observed at an extremely low frequency in the gnomAD v2.1.1 dataset (total allele frequency: 0.000020, PM2_M). A missense variant is a common mechanism associated with Microcephaly (PP2_P). Therefore, this variant is classified as uncertain significance according to the recommendation of ACMG/AMP guideline.

Ambry Genetics
Classification: Uncertain significance for Inborn genetic diseases. Last evaluated: 2021-08-10. Review status: criteria provided, single submitter. Criteria: Ambry Variant Classification Scheme 2023. Collection method: clinical testing. Allele origin: germline.